The following is an entry in ClinVar:

ClinVar aggregate classification (germline): Uncertain significance (1 of 4 stars; one submission).

Conditions:
Familial thoracic aortic aneurysm and aortic dissection (TAAD). Also called: Thoracic aortic aneurysms and dissections. Identifiers: Orphanet 91387, MedGen C4707243, MONDO:0019625.

Submission:

Ambry Genetics
Classification: Uncertain significance for Familial thoracic aortic aneurysm and aortic dissection. Last evaluated: 2022-12-31. Review status: criteria provided, single submitter. Criteria: Ambry Variant Classification Scheme 2023. Collection method: clinical testing. Allele origin: germline.
Comment: The p.K70N variant (also known as c.210G>C), located in coding exon 2 of the ACTA2 gene, results from a G to C substitution at nucleotide position 210. The lysine at codon 70 is replaced by asparagine, an amino acid with similar properties. This amino acid position is conserved. In addition, the in silico prediction for this alteration is inconclusive. Since supporting evidence is limited at this time, the clinical significance of this alteration remains unclear.

NM_001613.4(ACTA2):c.210G>C (p.Lys70Asn)

Gene: ACTA2 (actin alpha 2, smooth muscle; minus strand). Cytogenetic location: 10q23.31.
Variant type: single nucleotide variant.
Coding change: c.210G>C on transcript NM_001613.4 (MANE Select); coding-DNA position 210, G replaced by C.
Protein change: p.Lys70Asn; replaces lysine 70 with asparagine.
Molecular consequence: missense variant. On other transcripts: intron variant (3).
Genome position (GRCh38, 1-based): chr10:88,947,306, C>G on the plus strand (G>C on the coding strand, the complement: ACTA2 is on the minus strand). VCF-style: chr10-88947306-C-G. GRCh37 (hg19) VCF-style: chr10-90707063-C-G.
Other names: c.210G>C, p.Lys70Asn (NM_001141945.3, NM_001320855.2, NM_001406462.1 and 4 more transcripts); c.129+1496G>C (NM_001406467.1, NM_001406468.1, NM_001406469.1); short protein forms K70N.
Identifiers: ClinVar variation 2450527 (VCV002450527.2), dbSNP rs1845969598, ClinGen allele CA377513387.